The following is an entry in ClinVar:

ClinVar aggregate classification (germline): Uncertain significance (1 of 4 stars; one submission).

Conditions:
Familial adenomatous polyposis 1 (FAP1). Also called: FAMILIAL ADENOMATOUS POLYPOSIS 1, ATTENUATED; POLYPOSIS, ADENOMATOUS INTESTINAL. Identifiers: MedGen C2713442, MONDO:0021056, OMIM 175100. Disease mechanism: loss of function.

Submission:

Labcorp Genetics (formerly Invitae), Labcorp
Classification: Uncertain significance for Familial adenomatous polyposis 1. Last evaluated: 2025-09-16. Review status: criteria provided, single submitter. Criteria: Invitae Variant Classification Sherloc (09022015). Collection method: clinical testing. Allele origin: germline.
Comment: This sequence change replaces proline, which is neutral and non-polar, with threonine, which is neutral and polar, at codon 1934 of the APC protein (p.Pro1934Thr). This variant is not present in population databases (gnomAD no frequency). This variant has not been reported in the literature in individuals affected with APC-related conditions. Invitae Evidence Modeling of protein sequence and biophysical properties (such as structural, functional, and spatial information, amino acid conservation, physicochemical variation, residue mobility, and thermodynamic stability) indicates that this missense variant is not expected to disrupt APC protein function with a negative predictive value of 95%. In summary, the available evidence is currently insufficient to determine the role of this variant in disease. Therefore, it has been classified as a Variant of Uncertain Significance.

NM_000038.6(APC):c.5800C>A (p.Pro1934Thr)

Gene: APC (APC regulator of Wnt signaling pathway; plus strand). Cytogenetic location: 5q22.2.
Variant type: single nucleotide variant.
Coding change: c.5800C>A on transcript NM_000038.6 (MANE Select); coding-DNA position 5800, C replaced by A.
Protein change: p.Pro1934Thr; replaces proline 1934 with threonine.
Molecular consequence: missense variant. On other transcripts: non-coding transcript variant (2).
Genome position (GRCh38, 1-based): chr5:112,841,394, C>A. VCF-style: chr5-112841394-C-A. GRCh37 (hg19) VCF-style: chr5-112177091-C-A.
Other names: c.5800C>A, p.Pro1934Thr (NM_001127510.3, NM_001354895.2, NM_001407450.1); c.5746C>A, p.Pro1916Thr (NM_001127511.3); c.5854C>A, p.Pro1952Thr (NM_001354896.2, NM_001407447.1, NM_001407448.1 and 1 more transcripts); c.5830C>A, p.Pro1944Thr (NM_001354897.2); c.5725C>A, p.Pro1909Thr (NM_001354898.2); c.5716C>A, p.Pro1906Thr (NM_001354899.2); c.5677C>A, p.Pro1893Thr (NM_001354900.2); c.5623C>A, p.Pro1875Thr (NM_001354901.2, NM_001407453.1); and 11 more; short protein forms P1550T, P1651T, P1774T, P1805T, P1808T, P1833T, P1843T, P1851T.
Identifiers: ClinVar variation 4801499 (VCV004801499.1).